The following is an entry in ClinVar:

NM_024818.6(UBA5):c.329T>C (p.Leu110Pro)

Genes: NPHP3-ACAD11 (NPHP3-ACAD11 readthrough (NMD candidate); minus strand), UBA5 (ubiquitin like modifier activating enzyme 5; plus strand). Cytogenetic location: 3q22.1.
Variant type: single nucleotide variant.
Coding change: c.329T>C on transcript NM_024818.6 (MANE Select); coding-DNA position 329, T replaced by C.
Protein change: p.Leu110Pro; replaces leucine 110 with proline.
Molecular consequence: missense variant. On other transcripts: 5 prime UTR variant (1).
Genome position (GRCh38, 1-based): chr3:132,668,849, T>C. VCF-style: chr3-132668849-T-C. GRCh37 (hg19) VCF-style: chr3-132387693-T-C.
Other names: c.161T>C, p.Leu54Pro (NM_001320210.2, NM_198329.4); c.59T>C, p.Leu20Pro (NM_001321238.2); c.-8T>C (NM_001321239.1); short protein forms L110P, L20P, L54P.
Identifiers: ClinVar variation 2109431 (VCV002109431.2), dbSNP rs1407945340, ClinGen allele CA354572835.

ClinVar aggregate classification (germline): Uncertain significance (1 of 4 stars; one submission).

Allele frequency attached by ClinVar (database versions not stated): gnomAD exomes below 0.00001.
gnomAD v4.1: 3 of 1,610,592 alleles (0.00019%); highest among the groups gnomAD compares: Non-Finnish European, 0.00025%; no homozygotes.

Submission:

Labcorp Genetics (formerly Invitae), Labcorp
Classification: Uncertain significance. Last evaluated: 2022-03-11. Review status: criteria provided, single submitter. Criteria: Invitae Variant Classification Sherloc (09022015). Collection method: clinical testing. Allele origin: germline.
Comment: This variant has not been reported in the literature in individuals affected with UBA5-related conditions. In summary, the available evidence is currently insufficient to determine the role of this variant in disease. Therefore, it has been classified as a Variant of Uncertain Significance. Algorithms developed to predict the effect of missense changes on protein structure and function are either unavailable or do not agree on the potential impact of this missense change (SIFT: "Not Available"; PolyPhen-2: "Possibly Damaging"; Align-GVGD: "Not Available"). This variant is not present in population databases (gnomAD no frequency). This sequence change replaces leucine, which is neutral and non-polar, with proline, which is neutral and non-polar, at codon 110 of the UBA5 protein (p.Leu110Pro).